The following is an entry in ClinVar:

ClinVar aggregate classification (germline): Likely benign. Review status: criteria provided, single submitter (1 of 4 stars). 2 submissions from 2 submitters: Likely benign (1). 1 of the submissions does not count toward it. Last evaluated 2018-07-10.

Conditions:
NIPA1-related disorder. Also called: NIPA1-related condition.

Allele frequency attached by ClinVar (database versions not stated): gnomAD 0.00001; gnomAD exomes 0.00001; ExAC 0.00002; TOPMed 0.00002.
gnomAD v4.1: 13 of 1,614,048 alleles (0.00081%); highest among the groups gnomAD compares: African/African-American, 0.004%; no homozygotes.

Submissions (2):

Labcorp Genetics (formerly Invitae), Labcorp
Classification: Likely benign. Last evaluated: 2018-07-10. Review status: criteria provided, single submitter. Criteria: Invitae Variant Classification Sherloc (09022015). Collection method: clinical testing. Allele origin: germline.

PreventionGenetics, part of Exact Sciences
Classification: Likely benign for NIPA1-related condition. Last evaluated: 2019-07-12. Review status: no assertion criteria provided. Collection method: clinical testing. Allele origin: germline. Not counted in ClinVar's aggregate classification.
Comment: This variant is classified as likely benign based on ACMG/AMP sequence variant interpretation guidelines (Richards et al. 2015 PMID: 25741868, with internal and published modifications).

NM_144599.5(NIPA1):c.627C>T (p.Ile209=)

Gene: NIPA1 (NIPA magnesium transporter 1; plus strand). Cytogenetic location: 15q11.2.
Variant type: single nucleotide variant.
Coding change: c.627C>T on transcript NM_144599.5 (MANE Select); coding-DNA position 627, C replaced by T.
Protein change: p.Ile209=; no amino-acid change (isoleucine 209 retained).
Molecular consequence: synonymous variant.
Genome position (GRCh38, 1-based): chr15:22,823,876, C>T. VCF-style: chr15-22823876-C-T. GRCh37 (hg19) VCF-style: chr15-23049192-G-A.
Other names: c.402C>T, p.Ile134= (NM_001142275.1).
Identifiers: ClinVar variation 771978 (VCV000771978.5), dbSNP rs759267223, ClinGen allele CA7426033.